The following is an entry in ClinVar:

ClinVar aggregate classification (germline): Uncertain significance. Review status: criteria provided, multiple submitters, no conflicts (2 of 4 stars). 2 submissions from 2 submitters: Uncertain significance (2). Last evaluated 2025-05-21.

gnomAD v4.1: 4 of 1,612,338 alleles (0.00025%); highest among the groups gnomAD compares: Non-Finnish European, 0.00034%; no homozygotes.

Submissions (2):

Ambry Genetics
Classification: Uncertain significance. Last evaluated: 2025-05-21. Review status: criteria provided, single submitter. Criteria: Ambry Variant Classification Scheme 2023. Collection method: clinical testing. Allele origin: germline.

Labcorp Genetics (formerly Invitae), Labcorp
Classification: Uncertain significance. Last evaluated: 2025-03-30. Review status: criteria provided, single submitter. Criteria: Invitae Variant Classification Sherloc (09022015). Collection method: clinical testing. Allele origin: germline.
Comment: This sequence change replaces glycine, which is neutral and non-polar, with arginine, which is basic and polar, at codon 913 of the IL6ST protein (p.Gly913Arg). This variant is not present in population databases (gnomAD no frequency). This variant has not been reported in the literature in individuals affected with IL6ST-related conditions. An algorithm developed to predict the effect of missense changes on protein structure and function (PolyPhen-2) suggests that this variant is likely to be disruptive. In summary, the available evidence is currently insufficient to determine the role of this variant in disease. Therefore, it has been classified as a Variant of Uncertain Significance.

NM_002184.4(IL6ST):c.2737G>C (p.Gly913Arg)

Gene: IL6ST (interleukin 6 cytokine family signal transducer; minus strand). Cytogenetic location: 5q11.2.
Variant type: single nucleotide variant.
Coding change: c.2737G>C on transcript NM_002184.4 (MANE Select); coding-DNA position 2737, G replaced by C.
Protein change: p.Gly913Arg; replaces glycine 913 with arginine.
Molecular consequence: missense variant. On other transcripts: 3 prime UTR variant (1), non-coding transcript variant (2).
Genome position (GRCh38, 1-based): chr5:55,941,102, C>G on the plus strand (G>C on the coding strand, the complement: IL6ST is on the minus strand). VCF-style: chr5-55941102-C-G. GRCh37 (hg19) VCF-style: chr5-55236930-C-G.
Other names: c.2554G>C, p.Gly852Arg (NM_001190981.2); c.2635G>C, p.Gly879Arg (NM_001364275.2); c.2527G>C, p.Gly843Arg (NM_001364276.2); c.1870G>C, p.Gly624Arg (NM_001364277.2); c.1834G>C, p.Gly612Arg (NM_001364278.2); c.1741G>C, p.Gly581Arg (NM_001364279.2); c.*1664G>C (NM_175767.3); short protein forms G612R, G581R, G624R, G843R, G852R, G913R, G879R.
Identifiers: ClinVar variation 4038481 (VCV004038481.2).